The following is an entry in ClinVar:

ClinVar aggregate classification (germline): Benign. Review status: criteria provided, multiple submitters, no conflicts (2 of 4 stars). 3 submissions from 3 submitters: Benign (2). 1 of the submissions does not count toward it. Last evaluated 2019-12-31.

Conditions:
CNTN5-related disorder. Also called: CNTN5-related condition.

Allele frequency attached by ClinVar (database versions not stated): gnomAD exomes 0.00099 and 0.00234; 1000 Genomes Project 30x 0.00984; ExAC 0.00280; ESP Exome Variant Server 0.00965; gnomAD 0.01001 and 0.00943; 1000 Genomes Project 0.00919; TOPMed 0.01072.

Submissions (3):

Labcorp Genetics (formerly Invitae), Labcorp
Classification: Benign. Last evaluated: 2019-12-31. Review status: criteria provided, single submitter. Criteria: Invitae Variant Classification Sherloc (09022015). Collection method: clinical testing. Allele origin: germline.

Breakthrough Genomics
Classification: Benign. Review status: criteria provided, single submitter. Criteria: ACMG Guidelines, 2015. Collection method: not provided. Allele origin: germline. Inheritance: Unknown mechanism. Affected: yes.

PreventionGenetics, part of Exact Sciences
Classification: Benign for CNTN5-related condition. Last evaluated: 2020-01-10. Review status: no assertion criteria provided. Collection method: clinical testing. Allele origin: germline. Not counted in ClinVar's aggregate classification.
Comment: This variant is classified as benign based on ACMG/AMP sequence variant interpretation guidelines (Richards et al. 2015 PMID: 25741868, with internal and published modifications).

NM_014361.4(CNTN5):c.1281A>G (p.Gly427=)

Gene: CNTN5 (contactin 5; plus strand). Cytogenetic location: 11q22.1.
Variant type: single nucleotide variant.
Coding change: c.1281A>G on transcript NM_014361.4 (MANE Select); coding-DNA position 1281, A replaced by G.
Protein change: p.Gly427=; no amino-acid change (glycine 427 retained).
Molecular consequence: synonymous variant.
Genome position (GRCh38, 1-based): chr11:100,070,542, A>G. VCF-style: chr11-100070542-A-G. GRCh37 (hg19) VCF-style: chr11-99941274-A-G.
Other names: c.1281A>G, p.Gly427= (NM_001243270.2, NM_001243271.2); c.1059A>G, p.Gly353= (NM_175566.2).
Identifiers: ClinVar variation 786209 (VCV000786209.7), dbSNP rs77987293, ClinGen allele CA6242383.